The following is an entry in ClinVar:

ClinVar aggregate classification (germline): Likely benign (1 of 4 stars; one submission).

Conditions:
PLEKHA7-related disorder. Also called: PLEKHA7-related condition.

gnomAD v4.1: 14 of 1,613,862 alleles (0.00087%); highest among the groups gnomAD compares: Admixed American, 0.0033%; no homozygotes.

Submission:

PreventionGenetics, part of Exact Sciences
Classification: Likely benign for PLEKHA7-related condition. Last evaluated: 2026-04-06. Review status: criteria provided, single submitter. Criteria: ACMG Guidelines, 2015. Collection method: clinical testing. Allele origin: germline.
Comment: This variant is classified as likely benign based on ACMG/AMP sequence variant interpretation guidelines (Richards et al. 2015 PMID: 25741868, with internal and published modifications).

NM_001329630.2(PLEKHA7):c.2031G>A (p.Lys677=)

Genes: PLEKHA7 (pleckstrin homology domain containing A7; minus strand), LOC126861150 (BRD4-independent group 4 enhancer GRCh37_chr11:16823697-16824896; plus strand). Cytogenetic location: 11p15.2.
Variant type: single nucleotide variant.
Coding change: c.2031G>A on transcript NM_001329630.2 (MANE Select); coding-DNA position 2031, G replaced by A.
Protein change: p.Lys677=; no amino-acid change (lysine 677 retained).
Molecular consequence: synonymous variant.
Genome position (GRCh38, 1-based): chr11:16,803,272, C>T on the plus strand (G>A on the coding strand, the complement: PLEKHA7 is on the minus strand). VCF-style: chr11-16803272-C-T. GRCh37 (hg19) VCF-style: chr11-16824819-C-T.
Other names: c.2031G>A, p.Lys677= (NM_001329631.2, NM_001410960.1, NM_175058.5).
Identifiers: ClinVar variation 4978369 (VCV004978369.1).